The following is an entry in ClinVar:

ClinVar aggregate classification (germline): Pathogenic (1 of 4 stars; one submission).

Submission:

Labcorp Genetics (formerly Invitae), Labcorp
Classification: Pathogenic. Last evaluated: 2024-03-16. Review status: criteria provided, single submitter. Criteria: Invitae Variant Classification Sherloc (09022015). Collection method: clinical testing. Allele origin: germline.
Comment: This sequence change creates a premature translational stop signal (p.Lys1411*) in the PCDH15 gene. It is expected to result in an absent or disrupted protein product. Loss-of-function variants in PCDH15 are known to be pathogenic (PMID: 11398101, 11487575, 14570705). This variant is not present in population databases (gnomAD no frequency). This variant has not been reported in the literature in individuals affected with PCDH15-related conditions. For these reasons, this variant has been classified as Pathogenic.

Literature cited by the submitters: PubMed 11398101; PubMed 11487575; PubMed 14570705.

NM_001384140.1(PCDH15):c.4231A>T (p.Lys1411Ter)

Gene: PCDH15 (protocadherin related 15; minus strand). Cytogenetic location: 10q21.1.
Variant type: single nucleotide variant.
Coding change: c.4231A>T on transcript NM_001384140.1 (MANE Select); coding-DNA position 4231, A replaced by T.
Protein change: p.Lys1411Ter; replaces lysine 1411 with a stop codon.
Molecular consequence: nonsense.
Genome position (GRCh38, 1-based): chr10:53,827,529, T>A on the plus strand (A>T on the coding strand, the complement: PCDH15 is on the minus strand). VCF-style: chr10-53827529-T-A. GRCh37 (hg19) VCF-style: chr10-55587289-T-A.
Other names: c.4246A>T, p.Lys1416Ter (NM_001142763.2, NM_001142771.2); c.4231A>T, p.Lys1411Ter (NM_001142764.2, NM_001142770.3, NM_001142772.2 and 3 more transcripts); c.4018A>T, p.Lys1340Ter (NM_001142765.2); c.4222A>T, p.Lys1408Ter (NM_001142766.2); c.4111A>T, p.Lys1371Ter (NM_001142767.2); c.4165A>T, p.Lys1389Ter (NM_001142768.2, NM_001354404.2); c.4267A>T, p.Lys1423Ter (NM_001142769.4); c.4156A>T, p.Lys1386Ter (NM_001142773.2); and 1 more; short protein forms K1371*, K1389*, K1416*, K1423*, K1408*, K1418*, K1386*, K1411*.
Identifiers: ClinVar variation 3646173 (VCV003646173.2).